The following is an entry in ClinVar:

ClinVar aggregate classification (germline): Uncertain significance. Review status: criteria provided, multiple submitters, no conflicts (2 of 4 stars). 2 submissions from 2 submitters: Uncertain significance (2). Last evaluated 2022-06-21.

Conditions:
Inborn genetic diseases. Identifiers: MedGen C0950123, MeSH D030342.

gnomAD v4.1: 2 of 1,592,642 alleles (0.00013%); highest among the groups gnomAD compares: Admixed American, 0.0018%; no homozygotes.

Submissions (2):

Labcorp Genetics (formerly Invitae), Labcorp
Classification: Uncertain significance. Last evaluated: 2022-06-21. Review status: criteria provided, single submitter. Criteria: Invitae Variant Classification Sherloc (09022015). Collection method: clinical testing. Allele origin: germline.
Comment: This variant has not been reported in the literature in individuals affected with ROR2-related conditions. This variant is not present in population databases (gnomAD no frequency). This sequence change replaces arginine, which is basic and polar, with serine, which is neutral and polar, at codon 312 of the ROR2 protein (p.Arg312Ser). In summary, the available evidence is currently insufficient to determine the role of this variant in disease. Therefore, it has been classified as a Variant of Uncertain Significance. Advanced modeling of protein sequence and biophysical properties (such as structural, functional, and spatial information, amino acid conservation, physicochemical variation, residue mobility, and thermodynamic stability) performed at Invitae indicates that this missense variant is expected to disrupt ROR2 protein function.

Ambry Genetics
Classification: Uncertain significance for Inborn genetic diseases. Last evaluated: 2021-08-02. Review status: criteria provided, single submitter. Criteria: Ambry Variant Classification Scheme 2023. Collection method: clinical testing. Allele origin: germline.

NM_004560.4(ROR2):c.934C>A (p.Arg312Ser)

Gene: ROR2 (receptor tyrosine kinase like orphan receptor 2; minus strand). Cytogenetic location: 9q22.31.
Variant type: single nucleotide variant.
Coding change: c.934C>A on transcript NM_004560.4 (MANE Select); coding-DNA position 934, C replaced by A.
Protein change: p.Arg312Ser; replaces arginine 312 with serine.
Molecular consequence: missense variant.
Genome position (GRCh38, 1-based): chr9:91,733,125, G>T on the plus strand (C>A on the coding strand, the complement: ROR2 is on the minus strand). VCF-style: chr9-91733125-G-T. GRCh37 (hg19) VCF-style: chr9-94495407-G-T.
Other names: c.934C>A, p.Arg312Ser (NM_001318204.2); short protein forms R312S.
Identifiers: ClinVar variation 1910231 (VCV001910231.6), dbSNP rs776683439, ClinGen allele CA373800619.
Genomic context (GRCh38, chr9:91,733,125, plus strand): 5'-CAAGGGCCCTACACTCCCTGCGCCCCCCGGTCCCGCCCCGGGCCCTCGGGCACTCACAGC[G>T]GCCCAGCCTCTCGGCTGGGATGCCAATGCGCATGCAGTTGGCAGCGTCGGGGCTCTCAGG-3'
Protein context (NP_004551.2, residues 302-322): RIGIPAERLG[Arg312Ser]YHQCYNGSGM